The following is an entry in ClinVar:

ClinVar aggregate classification (germline): Uncertain significance (0 of 4 stars; one submission).

Conditions:
MSH6-related disorder. Also called: MSH6-related condition; MSH6-Related disorders.

Submission:

PreventionGenetics, part of Exact Sciences
Classification: Uncertain significance for MSH6-related condition. Last evaluated: 2024-08-02. Review status: no assertion criteria provided. Collection method: clinical testing. Allele origin: germline.
Comment: The MSH6 c.50T>G variant is predicted to result in the amino acid substitution p.Leu17Arg. To our knowledge, this variant has not been reported in the literature or in a large population database, indicating this variant is rare. At this time, the clinical significance of this variant is uncertain due to the absence of conclusive functional and genetic evidence.

NM_000179.3(MSH6):c.50T>G (p.Leu17Arg)

Gene: MSH6 (mutS homolog 6; plus strand). Cytogenetic location: 2p16.3.
Variant type: single nucleotide variant.
Coding change: c.50T>G on transcript NM_000179.3 (MANE Select); coding-DNA position 50, T replaced by G.
Protein change: p.Leu17Arg; replaces leucine 17 with arginine.
Molecular consequence: missense variant. On other transcripts: 5 prime UTR variant (8), non-coding transcript variant (5), intron variant (5).
Genome position (GRCh38, 1-based): chr2:47,783,283, T>G. VCF-style: chr2-47783283-T-G. GRCh37 (hg19) VCF-style: chr2-48010422-T-G.
Other names: c.50T>G, p.Leu17Arg (NM_001281492.2, NM_001406795.1, NM_001406796.1 and 9 more transcripts); c.-687T>G (NM_001281493.2, NM_001406811.1); c.-279T>G (NM_001406799.1); c.-6T>G (NM_001406804.1); c.-879T>G (NM_001406807.1); c.-534T>G (NM_001406812.1); c.-945T>G (NM_001406814.1); c.-490T>G (NM_001406816.1); and 3 more; short protein forms L17R.
Identifiers: ClinVar variation 3345505 (VCV003345505.1).